The following is an entry in ClinVar:

ClinVar aggregate classification (germline): Uncertain significance. Review status: criteria provided, multiple submitters, no conflicts (2 of 4 stars). 2 submissions from 2 submitters: Uncertain significance (2). Last evaluated 2023-12-30.

Conditions:
Maturity-onset diabetes of the young type 1. Also called: MODY, type I; MILD JUVENILE DIABETES MELLITUS; MODY type 1; Diabetes mellitus MODY type 1; MODY HNF4A related; HNF4A-Related Maturity-Onset Diabetes of the Young Type 1. Identifiers: Orphanet 552, MedGen C1852093, MONDO:0007452, OMIM 125850. Disease mechanism: loss of function.

Submissions (2):

Labcorp Genetics (formerly Invitae), Labcorp
Classification: Uncertain significance. Last evaluated: 2023-12-30. Review status: criteria provided, single submitter. Criteria: Invitae Variant Classification Sherloc (09022015). Collection method: clinical testing. Allele origin: germline.
Comment: This sequence change replaces aspartic acid, which is acidic and polar, with valine, which is neutral and non-polar, at codon 226 of the HNF4A protein (p.Asp226Val). This variant is not present in population databases (gnomAD no frequency). This variant has not been reported in the literature in individuals affected with HNF4A-related conditions. Advanced modeling of protein sequence and biophysical properties (such as structural, functional, and spatial information, amino acid conservation, physicochemical variation, residue mobility, and thermodynamic stability) has been performed at Invitae for this missense variant, however the output from this modeling did not meet the statistical confidence thresholds required to predict the impact of this variant on HNF4A protein function. In summary, the available evidence is currently insufficient to determine the role of this variant in disease. Therefore, it has been classified as a Variant of Uncertain Significance.

Gemeinschaftspraxis fuer Humangenetik Dresden
Classification: Uncertain significance for Maturity-onset diabetes of the young type 1. Last evaluated: 2023-09-21. Review status: criteria provided, single submitter. Criteria: ACMG Guidelines, 2015. Collection method: clinical testing. Allele origin: germline. Inheritance: Autosomal dominant inheritance. Affected: yes.
Comment: This variant is not reported in HGMD 2023.2, gnomAD (v2.1.1), dbSNP (v155) or LOVD (we submitted there) so far. The nucleotide and aminoacid position is highly conserved, prediction support a deleterious effect on the gene (SIFT, PolyPhen-2, MutationTaster2021, AGVGD and REVEL). In summary, the variant should currently be classified as uncertain significance - with pathogenic tendency - taking into account the patient's symptoms and family history.

NM_175914.5(HNF4A):c.677A>T (p.Asp226Val)

Gene: HNF4A (hepatocyte nuclear factor 4 alpha; plus strand). Cytogenetic location: 20q13.12.
Variant type: single nucleotide variant.
Coding change: c.677A>T on transcript NM_175914.5 (MANE Select); coding-DNA position 677, A replaced by T.
Protein change: p.Asp226Val; replaces aspartic acid 226 with valine.
Molecular consequence: missense variant.
Genome position (GRCh38, 1-based): chr20:44,419,727, A>T. VCF-style: chr20-44419727-A-T. GRCh37 (hg19) VCF-style: chr20-43048367-A-T.
Other names: c.743A>T, p.Asp248Val (NM_000457.6, NM_178849.3, NM_178850.3); c.677A>T, p.Asp226Val (NM_001030003.3, NM_001030004.3); c.722A>T, p.Asp241Val (NM_001258355.2); c.668A>T, p.Asp223Val (NM_001287182.2, NM_001287183.2, NM_001287184.2); short protein forms D223V, D226V, D241V, D248V.
Identifiers: ClinVar variation 2691720 (VCV002691720.5), dbSNP rs2515698322, ClinGen allele CA409107327.